The following is an entry in ClinVar:

ClinVar aggregate classification (germline): Uncertain significance (1 of 4 stars; one submission).

Conditions:
Ectodermal dysplasia 11A, hypohidrotic/hair/tooth type, autosomal dominant. Identifiers: Orphanet 1810, Orphanet 238468, MedGen C3541517, MONDO:0013982, OMIM 614940.
Ectodermal dysplasia 11B, hypohidrotic/hair/tooth type, autosomal recessive. Identifiers: Orphanet 238468, Orphanet 248, MedGen C3539920, MONDO:0013983, OMIM 614941.

Submission:

Labcorp Genetics (formerly Invitae), Labcorp
Classification: Uncertain significance for Ectodermal dysplasia 11B, hypohidrotic/hair/tooth type, autosomal recessive; Ectodermal dysplasia 11A, hypohidrotic/hair/tooth type, autosomal dominant. Last evaluated: 2021-09-19. Review status: criteria provided, single submitter. Criteria: Invitae Variant Classification Sherloc (09022015). Collection method: clinical testing. Allele origin: germline.
Comment: Algorithms developed to predict the effect of missense changes on protein structure and function (SIFT, PolyPhen-2, Align-GVGD) all suggest that this variant is likely to be tolerated. In summary, the available evidence is currently insufficient to determine the role of this variant in disease. Therefore, it has been classified as a Variant of Uncertain Significance. This variant has not been reported in the literature in individuals affected with EDARADD-related conditions. This sequence change replaces serine with phenylalanine at codon 149 of the EDARADD protein (p.Ser149Phe). The serine residue is weakly conserved and there is a large physicochemical difference between serine and phenylalanine. This variant is not present in population databases (ExAC no frequency).

NM_145861.4(EDARADD):c.446C>T (p.Ser149Phe)

Gene: EDARADD (EDAR associated via death domain; plus strand). Cytogenetic location: 1q43.
Variant type: single nucleotide variant.
Coding change: c.446C>T on transcript NM_145861.4 (MANE Select); coding-DNA position 446, C replaced by T.
Protein change: p.Ser149Phe; replaces serine 149 with phenylalanine.
Molecular consequence: missense variant.
Genome position (GRCh38, 1-based): chr1:236,482,447, C>T. VCF-style: chr1-236482447-C-T. GRCh37 (hg19) VCF-style: chr1-236645747-C-T.
Other names: c.380C>T, p.Ser127Phe (NM_001422628.1); c.416C>T, p.Ser139Phe (NM_080738.5); short protein forms S139F, S149F, S127F.
Identifiers: ClinVar variation 1439044 (VCV001439044.6), dbSNP rs2103042663, ClinGen allele CA345354075.
Genomic context (GRCh38, chr1:236,482,447, plus strand): 5'-TGGATCCGTGTCACCCAACGGTGAAAAACTGGAGGAATTTTGCAAGCAAATGGGGGATGT[C>T]CTATGACGAATTGTGCTTCCTGGAGCAGAGGCCACAGAGCCCCACCTTGGAGTTCTTGCT-3'
Protein context (NP_665860.2, residues 139-159): WRNFASKWGM[Ser149Phe]YDELCFLEQR